The following is an entry in ClinVar:

ClinVar aggregate classification (germline): Uncertain significance (1 of 4 stars; one submission).

Allele frequency attached by ClinVar (database versions not stated): TOPMed below 0.00001; gnomAD exomes 0.00001 and 0.00002.
gnomAD v4.1: 3 of 1,605,322 alleles (0.00019%); highest among the groups gnomAD compares: Admixed American, 0.005%; no homozygotes.

Submission:

Labcorp Genetics (formerly Invitae), Labcorp
Classification: Uncertain significance. Last evaluated: 2022-05-28. Review status: criteria provided, single submitter. Criteria: Invitae Variant Classification Sherloc (09022015). Collection method: clinical testing. Allele origin: germline.
Comment: This sequence change replaces asparagine, which is neutral and polar, with serine, which is neutral and polar, at codon 271 of the PLOD2 protein (p.Asn271Ser). This variant is present in population databases (no rsID available, gnomAD 0.01%). This variant has not been reported in the literature in individuals affected with PLOD2-related conditions. ClinVar contains an entry for this variant (Variation ID: 1390573). Algorithms developed to predict the effect of missense changes on protein structure and function (SIFT, PolyPhen-2, Align-GVGD) all suggest that this variant is likely to be tolerated. Algorithms developed to predict the effect of sequence changes on RNA splicing suggest that this variant may create or strengthen a splice site. In summary, the available evidence is currently insufficient to determine the role of this variant in disease. Therefore, it has been classified as a Variant of Uncertain Significance.

NM_182943.3(PLOD2):c.812A>G (p.Asn271Ser)

Gene: PLOD2 (procollagen-lysine,2-oxoglutarate 5-dioxygenase 2; minus strand). Cytogenetic location: 3q24.
Variant type: single nucleotide variant.
Coding change: c.812A>G on transcript NM_182943.3 (MANE Select); coding-DNA position 812, A replaced by G.
Protein change: p.Asn271Ser; replaces asparagine 271 with serine.
Molecular consequence: missense variant.
Genome position (GRCh38, 1-based): chr3:146,091,867, T>C on the plus strand (A>G on the coding strand, the complement: PLOD2 is on the minus strand). VCF-style: chr3-146091867-T-C. GRCh37 (hg19) VCF-style: chr3-145809654-T-C.
Other names: c.812A>G, p.Asn271Ser (NM_000935.3); short protein forms N271S.
Identifiers: ClinVar variation 1390573 (VCV001390573.3), dbSNP rs912490534, ClinGen allele CA84522891.